The following is an entry in ClinVar:

NM_000289.6(PFKM):c.2040C>T (p.Gly680=)

Gene: PFKM (phosphofructokinase, muscle; plus strand). Cytogenetic location: 12q13.11.
Variant type: single nucleotide variant.
Coding change: c.2040C>T on transcript NM_000289.6 (MANE Select); coding-DNA position 2040, C replaced by T.
Protein change: p.Gly680=; no amino-acid change (glycine 680 retained).
Molecular consequence: synonymous variant. On other transcripts: non-coding transcript variant (6).
Genome position (GRCh38, 1-based): chr12:48,145,078, C>T. VCF-style: chr12-48145078-C-T. GRCh37 (hg19) VCF-style: chr12-48538861-C-T.
Other names: p.Gly680=; c.2253C>T, p.Gly751= (NM_001166686.2, NM_001354737.1, NM_001354738.1 and 1 more transcripts); c.2040C>T, p.Gly680= (NM_001166687.2, NM_001166688.2, NM_001354742.2 and 2 more transcripts); c.2349C>T, p.Gly783= (NM_001354735.1, NM_001354736.1); c.2184C>T, p.Gly728= (NM_001354740.1); c.2064C>T, p.Gly688= (NM_001354741.2); c.1953C>T, p.Gly651= (NM_001354745.2); c.1914C>T, p.Gly638= (NM_001354746.2); and 2 more.
Identifiers: ClinVar variation 779604 (VCV000779604.16), dbSNP rs369893708, ClinGen allele CA6537516.
Genomic context (GRCh38, chr12:48,145,078, plus strand): 5'-TTTCTTTCTCCAGGGTGGGAGCCCAACCCCATTTGATAGGAATTTTGCCACTAAGATGGG[C>T]GCCAAGGCTATGAACTGGATGTCTGGGAAAATCAAAGAGAGTTACCGTAATGGTAGGTGG-3'
Protein context (NP_000280.1, residues 670-690): PFDRNFATKM[Gly680=]AKAMNWMSGK

ClinVar aggregate classification (germline): Benign/Likely benign. Review status: criteria provided, multiple submitters, no conflicts (2 of 4 stars). 4 submissions from 4 submitters: Benign (1); Likely benign (2). 1 of the submissions does not count toward it. Last evaluated 2026-01-28.

Conditions:
Glycogen storage disease, type VII (GSD7). Also called: GSD VII; PFKM DEFICIENCY; TARUI DISEASE; MUSCLE PHOSPHOFRUCTOKINASE DEFICIENCY. Identifiers: Orphanet 371, MedGen C0017926, MONDO:0009295, OMIM 232800.

Allele frequency attached by ClinVar (database versions not stated): gnomAD 0.00009 and 0.00011; gnomAD exomes 0.00011 and 0.00028; 1000 Genomes Project 30x 0.00016; 1000 Genomes Project 0.00020; ExAC 0.00021; TOPMed 0.00023.
gnomAD v4.1: 180 of 1,614,110 alleles (0.011%); highest among the groups gnomAD compares: East Asian, 0.32%; 1 homozygote.

Submissions (4):

Labcorp Genetics (formerly Invitae), Labcorp
Classification: Benign for Glycogen storage disease, type VII. Last evaluated: 2026-01-28. Review status: criteria provided, single submitter. Criteria: Invitae Variant Classification Sherloc (09022015). Collection method: clinical testing. Allele origin: germline.

Mayo Clinic Laboratories, Mayo Clinic
Classification: Likely benign. Last evaluated: 2025-07-02. Review status: criteria provided, single submitter. Criteria: ACMG Guidelines, 2015. Collection method: clinical testing. Allele origin: germline. Observed: 1 variant allele.
Comment: BP4, BP7

ARUP Laboratories, Molecular Genetics and Genomics, ARUP Laboratories
Classification: Likely benign for Glycogen storage disease, type VII. Last evaluated: 2024-05-02. Review status: criteria provided, single submitter. Criteria: ARUP Molecular Germline Variant Investigation Process 2024. Collection method: clinical testing. Allele origin: germline.

Natera, Inc.
Classification: Likely benign for Glycogen storage disease type VII. Last evaluated: 2019-10-24. Review status: no assertion criteria provided. Collection method: clinical testing. Allele origin: germline. Not counted in ClinVar's aggregate classification.